The following is an entry in ClinVar:

ClinVar aggregate classification (germline): Uncertain significance (1 of 4 stars; one submission).

Submission:

GeneDx
Classification: Uncertain significance. Last evaluated: 2025-08-06. Review status: criteria provided, single submitter. Criteria: GeneDx Variant Classification Process June 2021. Collection method: clinical testing. Allele origin: germline.
Comment: Not observed at significant frequency in large population cohorts (gnomAD); In silico analysis supports that this missense variant has a deleterious effect on protein structure/function; Has not been previously published as pathogenic or benign to our knowledge

NM_014159.7(SETD2):c.4935A>T (p.Gln1645His)

Gene: SETD2 (SET domain containing 2, histone lysine methyltransferase; minus strand). Cytogenetic location: 3p21.31.
Variant type: single nucleotide variant.
Coding change: c.4935A>T on transcript NM_014159.7 (MANE Select); coding-DNA position 4935, A replaced by T.
Protein change: p.Gln1645His; replaces glutamine 1645 with histidine.
Molecular consequence: missense variant. On other transcripts: non-coding transcript variant (1).
Genome position (GRCh38, 1-based): chr3:47,101,538, T>A on the plus strand (A>T on the coding strand, the complement: SETD2 is on the minus strand). VCF-style: chr3-47101538-T-A. GRCh37 (hg19) VCF-style: chr3-47143028-T-A.
Other names: c.4803A>T, p.Gln1601His (NM_001349370.3); short protein forms Q1601H, Q1645H.
Identifiers: ClinVar variation 3364970 (VCV003364970.2).